The following is an entry in ClinVar:

NM_000455.5(STK11):c.156_157del (p.Asp53fs)

Gene: STK11 (serine/threonine kinase 11; plus strand). Cytogenetic location: 19p13.3.
Variant type: Deletion.
Coding change: c.156_157del on transcript NM_000455.5 (MANE Select); coding-DNA positions 156 to 157, 2 bases deleted (GG; older notation c.156_157delGG).
Protein change: p.Asp53fs; shifts the reading frame from aspartic acid 53.
Molecular consequence: frameshift variant.
Genome position (GRCh38, 1-based): chr19:1,207,069-1,207,070, GG deleted; deleting any 2 consecutive bases within chr19:1,207,066-1,207,070 gives the same sequence; the c. name uses the placement nearest the transcript's 3' end. VCF-style (leftmost placement, unchanged base first): chr19-1207065-TGG-T. GRCh37 (hg19) VCF-style: chr19-1207064-TGG-T.
Other names: c.156_157delGG (NM_000455.4); short protein forms D53fs.
Identifiers: ClinVar variation 428753 (VCV000428753.3), dbSNP rs1131690917, ClinGen allele CA645369777.
Genomic context (GRCh38, chr19:1,207,065, plus strand): 5'-CCACCGAGGTCATCTACCAGCCGCGCCGCAAGCGGGCCAAGCTCATCGGCAAGTACCTGA[TGG>T]GGGACCTGCTGGGGGAAGGCTCTTACGGCAAGGTGAAGGAGGTGCTGGACTCGGAGACGC-3'

ClinVar aggregate classification (germline): Pathogenic (1 of 4 stars; one submission).

Conditions:
Hereditary cancer-predisposing syndrome. Also called: Hereditary Cancer Syndrome; Neoplastic Syndromes, Hereditary; Hereditary neoplastic syndrome; Tumor predisposition. Identifiers: Orphanet 140162, MedGen C0027672, MeSH D009386, MONDO:0015356.

Submission:

Ambry Genetics
Classification: Pathogenic for Hereditary cancer-predisposing syndrome. Last evaluated: 2012-07-04. Review status: criteria provided, single submitter. Criteria: Ambry Autosomal Dominant and X-Linked criteria (10/2015). Collection method: clinical testing. Allele origin: germline. Observed: 1 variant allele.
Comment: This alteration is expected to result in loss of function by premature protein truncation or nonsense-mediatedâ€¯mRNAâ€¯decay.â€¯As such, this alteration is interpreted as a disease-causing mutation.